The following is an entry in ClinVar:

NM_001389.5(DSCAM):c.3219del (p.Pro1074fs)

Gene: DSCAM (DS cell adhesion molecule; minus strand). Cytogenetic location: 21q22.2.
Variant type: Deletion.
Coding change: c.3219del on transcript NM_001389.5 (MANE Select); coding-DNA position 3219, one base deleted (G; older notation c.3219delG).
Protein change: p.Pro1074fs; shifts the reading frame from proline 1074.
Molecular consequence: frameshift variant. On other transcripts: non-coding transcript variant (1).
Genome position (GRCh38, 1-based): chr21:40,144,531, C deleted on the plus strand (G on the coding strand, the reverse complement: DSCAM is on the minus strand); the first of 4 consecutive C bases (chr21:40,144,531-40,144,534); deleting any one gives the same sequence. VCF-style (leftmost placement, unchanged base first): chr21-40144530-GC-G. GRCh37 (hg19) VCF-style: chr21-41516457-GC-G.
Other names: c.3219del, p.Pro1074fs (NM_001271534.3); c.3216delG, p.Pro1074Leufs (NM_206887.1); short protein forms P1074fs.
Identifiers: ClinVar variation 2808911 (VCV002808911.3), dbSNP rs2517198189, ClinGen allele CA2739267639.

ClinVar aggregate classification (germline): Uncertain significance (1 of 4 stars; one submission).

Submission:

Labcorp Genetics (formerly Invitae), Labcorp
Classification: Uncertain significance. Last evaluated: 2022-10-19. Review status: criteria provided, single submitter. Criteria: Invitae Variant Classification Sherloc (09022015). Collection method: clinical testing. Allele origin: germline.
Comment: This sequence change creates a premature translational stop signal (p.Pro1074Leufs*25) in the DSCAM gene. It is expected to result in an absent or disrupted protein product. However, the current clinical and genetic evidence is not sufficient to establish whether loss-of-function variants in DSCAM cause disease. In summary, the available evidence is currently insufficient to determine the role of this variant in disease. Therefore, it has been classified as a Variant of Uncertain Significance. This variant has not been reported in the literature in individuals affected with DSCAM-related conditions. This variant is not present in population databases (gnomAD no frequency).